The following is an entry in ClinVar:

ClinVar aggregate classification (germline): Uncertain significance (1 of 4 stars; one submission).

Allele frequency attached by ClinVar (database versions not stated): gnomAD exomes below 0.00001 and 0.00001; ExAC 0.00001; gnomAD 0.00001; TOPMed 0.00002.
gnomAD v4.1: 4 of 1,613,246 alleles (0.00025%); highest among the groups gnomAD compares: Non-Finnish European, 0.00034%; no homozygotes.

Submission:

GeneDx
Classification: Uncertain significance. Last evaluated: 2013-03-11. Review status: criteria provided, single submitter. Criteria: GeneDx Variant Classification (06012015). Collection method: clinical testing. Allele origin: germline. Affected: yes.
Comment: Missense variants in the TTN gene are considered 'unclassified' if they are not previously reported in the literature and do not have >1% frequency in the population to be considered a polymorphism. Research indicates that truncating mutations in the TTN gene are expected to account for approximately 25% of familial and 18% of sporadic idiopathic DCM; however, truncating variants in the TTN gene have been reported in approximately 3% of reported control alleles. There has been little investigation into non-truncating variants. (Herman D et al. Truncations of titin causing dilated cardiomyopathy. N Eng J Med 366:619-628, 2012) The variant is found in DCM panel(s).

NM_001267550.2(TTN):c.74653G>A (p.Ala24885Thr)

Genes: TTN (titin; minus strand), TTN-AS1 (TTN antisense RNA 1; plus strand). Cytogenetic location: 2q31.2.
Variant type: single nucleotide variant.
Coding change: c.74653G>A on transcript NM_001267550.2 (MANE Select); coding-DNA position 74653, G replaced by A.
Protein change: p.Ala24885Thr; replaces alanine 24885 with threonine.
Molecular consequence: missense variant.
Genome position (GRCh38, 1-based): chr2:178,571,479, C>T on the plus strand (G>A on the coding strand, the complement: TTN is on the minus strand). VCF-style: chr2-178571479-C-T. GRCh37 (hg19) VCF-style: chr2-179436206-C-T.
Other names: p.A23244T:GCT>ACT; c.69730G>A, p.Ala23244Thr (NM_001256850.1); c.47458G>A, p.Ala15820Thr (NM_003319.4); c.66949G>A, p.Ala22317Thr (NM_133378.4); c.47833G>A, p.Ala15945Thr (NM_133432.3); c.48034G>A, p.Ala16012Thr (NM_133437.4); short protein forms A23244T, A24885T, A15820T, A22317T, A15945T, A16012T.
Identifiers: ClinVar variation 202857 (VCV000202857.2), dbSNP rs748083856, ClinGen allele CA310499.